The following is an entry in ClinVar:

NM_018043.7(ANO1):c.283G>A (p.Val95Ile)

Gene: ANO1 (anoctamin 1; plus strand). Cytogenetic location: 11q13.3.
Variant type: single nucleotide variant.
Coding change: c.283G>A on transcript NM_018043.7 (MANE Select); coding-DNA position 283, G replaced by A.
Protein change: p.Val95Ile; replaces valine 95 with isoleucine.
Molecular consequence: missense variant. On other transcripts: non-coding transcript variant (1).
Genome position (GRCh38, 1-based): chr11:70,087,926, G>A. VCF-style: chr11-70087926-G-A. GRCh37 (hg19) VCF-style: chr11-69934032-G-A.
Other names: c.406G>A, p.Val136Ile (NM_001378092.1); c.283G>A, p.Val95Ile (NM_001378093.1, NM_001378094.2, NM_001378095.2 and 2 more transcripts); short protein forms V136I, V95I.
Identifiers: ClinVar variation 4872040 (VCV004872040.2).

ClinVar aggregate classification (germline): Likely benign (1 of 4 stars; one submission).

gnomAD v4.1: 409 of 1,608,148 alleles (0.025%); highest among the groups gnomAD compares: Middle Eastern, 0.23%; 1 homozygote.

Submission:

CeGaT Center for Human Genetics Tuebingen
Classification: Likely benign. Last evaluated: 2026-06-01. Review status: criteria provided, single submitter. Criteria: CeGaT Center For Human Genetics Tuebingen Variant Classification Criteria Version 2. Collection method: clinical testing. Allele origin: germline. Affected: yes. Observed: 1 variant allele.
Comment: ANO1: BP4